The following is an entry in ClinVar:

ClinVar aggregate classification (germline): Likely pathogenic (1 of 4 stars; one submission).

Conditions:
Autosomal recessive limb-girdle muscular dystrophy type 2O. Also called: MUSCULAR DYSTROPHY-DYSTROGLYCANOPATHY (LIMB-GIRDLE), TYPE C, 3; Limb-Girdle Muscular Dystrophy Type 3C; MUSCULAR DYSTROPHY-DYSTROGLYCANOPATHY, LIMB-GIRDLE, POMGNT1-RELATED. Identifiers: Orphanet 206564, MedGen C3150417, MONDO:0013161, OMIM 613157.
Muscular dystrophy-dystroglycanopathy (congenital with impaired intellectual development), type B, 3. Also called: Muscular dystrophy-dystroglycanopathy (congenital with intellectual disability), type B3; MUSCULAR DYSTROPHY, CONGENITAL, POMGNT1-RELATED. Identifiers: MedGen C3150412, MONDO:0013155, OMIM 613151.

Submission:

Labcorp Genetics (formerly Invitae), Labcorp
Classification: Likely pathogenic for Autosomal recessive limb-girdle muscular dystrophy type 2O; Muscular dystrophy-dystroglycanopathy (congenital with impaired intellectual development), type B, 3. Last evaluated: 2022-01-05. Review status: criteria provided, single submitter. Criteria: Invitae Variant Classification Sherloc (09022015). Collection method: clinical testing. Allele origin: germline.
Comment: ClinVar contains an entry for this variant (Variation ID: 1066614). This variant has not been reported in the literature in individuals affected with POMGNT1-related conditions. This variant is not present in population databases (gnomAD no frequency). This sequence change affects a donor splice site in intron 3 of the POMGNT1 gene. It is expected to disrupt RNA splicing. Variants that disrupt the donor or acceptor splice site typically lead to a loss of protein function (PMID: 16199547), and loss-of-function variants in POMGNT1 are known to be pathogenic (PMID: 19299310, 20816175, 21447391, 26908613, 27391550). Algorithms developed to predict the effect of sequence changes on RNA splicing suggest that this variant may disrupt the consensus splice site. In summary, the currently available evidence indicates that the variant is pathogenic, but additional data are needed to prove that conclusively. Therefore, this variant has been classified as Likely Pathogenic.

Literature cited by the submitters: PubMed 16199547; PubMed 19299310; PubMed 20816175; PubMed 21447391; PubMed 26908613; PubMed 27391550.

NM_017739.4(POMGNT1):c.235+2T>C

Gene: POMGNT1 (protein O-linked mannose N-acetylglucosaminyltransferase 1 (beta 1,2-); minus strand). Cytogenetic location: 1p34.1.
Variant type: single nucleotide variant.
Coding change: c.235+2T>C on transcript NM_017739.4 (MANE Select); the canonical splice donor site of the intron after coding-DNA position 235, T replaced by C.
Molecular consequence: splice donor variant.
Genome position (GRCh38, 1-based): chr1:46,196,968, A>G on the plus strand (T>C on the coding strand, the complement: POMGNT1 is on the minus strand). VCF-style: chr1-46196968-A-G. GRCh37 (hg19) VCF-style: chr1-46662640-A-G.
Other names: c.235+2T>C (NM_001243766.2, NM_001438686.1, NM_001438688.1 and 3 more transcripts); c.169+2T>C (NM_001290129.3, NM_001438691.1, NM_001438692.1); c.-195+2T>C (NM_001290130.2).
Identifiers: ClinVar variation 1066614 (VCV001066614.7), dbSNP rs2148218654, ClinGen allele CA340191797.
Genomic context (GRCh38, chr1:46,196,968, plus strand): 5'-TCTGCCTGCCACTCCAGCTGTGAGATCCAAGGCCCCCTACCCCATCCTTAGCCTAGCCCT[A>G]CCATAGTCTTGCTCTGGCTCTGGGTCTTCATTGGCTTCACTGATGGCTCGCCGAGTGTCC-3'